The following is an entry in ClinVar:

NM_000075.4(CDK4):c.819+39_819+40del

Genes: CDK4 (cyclin dependent kinase 4; minus strand), TSPAN31 (tetraspanin 31; plus strand). Cytogenetic location: 12q14.1.
Variant type: Microsatellite.
Coding change: c.819+39_819+40del on transcript NM_000075.4 (MANE Select); bases 39 to 40 of the intron after coding-DNA position 819, 2 bases deleted (GA; older notation c.819+39_819+40delGA).
Molecular consequence: intron variant. On other transcripts: 3 prime UTR variant (3).
Genome position (GRCh38, 1-based): chr12:57,749,142-57,749,143, TC deleted on the plus strand (GA on the coding strand, the reverse complement: CDK4 is on the minus strand); deleting any 2 consecutive bases within chr12:57,749,142-57,749,146 gives the same sequence; the c. name uses the placement nearest the transcript's 3' end. VCF-style (leftmost placement, unchanged base first): chr12-57749141-GTC-G. GRCh37 (hg19) VCF-style: chr12-58142924-GTC-G.
Other names: c.819+39_819+40delGA (NM_000075.4); c.*1853CT[1] (NM_001330168.2, NM_001330169.2, NM_005981.5).
Identifiers: ClinVar variation 675712 (VCV000675712.7), dbSNP rs3211623, ClinGen allele CA6657676.
Genomic context (GRCh38, chr12:57,749,141, plus strand): 5'-AACCAAGTTTCATTAACCACAGTGGCCAGGGCCCTGCATACTGCTCTATTTCTTTCCCCA[GTC>G]TCTATTTCTTTCCCTGTGCCCACAGCCATCTCCAGTACCAGCAGCAGCTGTGCTCCCGAC-3'

ClinVar aggregate classification (germline): Benign. Review status: criteria provided, multiple submitters, no conflicts (2 of 4 stars). 2 submissions from 2 submitters: Benign (2). Last evaluated 2025-03-04.

Submissions (2):

Center for Genomic Medicine, Rigshospitalet, Copenhagen University Hospital
Classification: Benign. Last evaluated: 2025-03-04. Review status: criteria provided, single submitter. Criteria: ACMG Guidelines, 2015. Collection method: clinical testing. Allele origin: germline.

GeneDx
Classification: Benign. Last evaluated: 2018-06-14. Review status: criteria provided, single submitter. Criteria: GeneDx Variant Classification (06012015). Collection method: clinical testing. Allele origin: germline. Affected: yes.
Comment: This variant is considered likely benign or benign based on one or more of the following criteria: it is a conservative change, it occurs at a poorly conserved position in the protein, it is predicted to be benign by multiple in silico algorithms, and/or has population frequency not consistent with disease.